The following is an entry in ClinVar:

ClinVar aggregate classification (germline): Uncertain significance. Review status: criteria provided, multiple submitters, no conflicts (2 of 4 stars). 4 submissions from 4 submitters: Uncertain significance (3). 1 of the submissions does not count toward it. Last evaluated 2026-06-17.

Conditions:
Inborn genetic diseases. Identifiers: MedGen C0950123, MeSH D030342.
Retinitis pigmentosa 25 (RP25). Identifiers: Orphanet 791, MedGen C1864446, MONDO:0011272, OMIM 602772.

Allele frequency attached by ClinVar (database versions not stated): gnomAD exomes 0.00006 and 0.00002; ExAC 0.00018; 1000 Genomes Project 0.00040; gnomAD 0.00017 and 0.00015; 1000 Genomes Project 30x 0.00062; ESP Exome Variant Server 0.00023; TOPMed 0.00016.
gnomAD v4.1: 58 of 1,584,146 alleles (0.0037%); highest among the groups gnomAD compares: African/African-American, 0.069%; no homozygotes.

Submissions (4):

Ambry Genetics
Classification: Uncertain significance for Inborn genetic diseases. Last evaluated: 2026-06-17. Review status: criteria provided, single submitter. Criteria: Ambry Variant Classification Scheme 2023. Collection method: clinical testing. Allele origin: germline.

Blueprint Genetics
Classification: Uncertain significance. Last evaluated: 2022-11-01. Review status: criteria provided, single submitter. Criteria: ACMG Guidelines, 2015. Collection method: clinical testing. Allele origin: germline.

Labcorp Genetics (formerly Invitae), Labcorp
Classification: Uncertain significance. Last evaluated: 2022-09-22. Review status: criteria provided, single submitter. Criteria: Invitae Variant Classification Sherloc (09022015). Collection method: clinical testing. Allele origin: germline.
Comment: This sequence change replaces tyrosine, which is neutral and polar, with cysteine, which is neutral and slightly polar, at codon 240 of the EYS protein (p.Tyr240Cys). This variant is present in population databases (rs150502410, gnomAD 0.07%). This variant has not been reported in the literature in individuals affected with EYS-related conditions. ClinVar contains an entry for this variant (Variation ID: 966077). Algorithms developed to predict the effect of missense changes on protein structure and function output the following: SIFT: "Deleterious"; PolyPhen-2: "Benign"; Align-GVGD: "Class C65". The cysteine amino acid residue is found in multiple mammalian species, which suggests that this missense change does not adversely affect protein function. In summary, the available evidence is currently insufficient to determine the role of this variant in disease. Therefore, it has been classified as a Variant of Uncertain Significance.

Natera, Inc.
Classification: Uncertain significance for Retinitis pigmentosa type 25. Last evaluated: 2021-01-05. Review status: no assertion criteria provided. Collection method: clinical testing. Allele origin: germline. Not counted in ClinVar's aggregate classification.

NM_001142800.2(EYS):c.719A>G (p.Tyr240Cys)

Gene: EYS (EGF-like photoreceptor maintenance factor; minus strand). Cytogenetic location: 6q12.
Variant type: single nucleotide variant.
Coding change: c.719A>G on transcript NM_001142800.2 (MANE Select); coding-DNA position 719, A replaced by G.
Protein change: p.Tyr240Cys; replaces tyrosine 240 with cysteine.
Molecular consequence: missense variant.
Genome position (GRCh38, 1-based): chr6:65,494,692, T>C on the plus strand (A>G on the coding strand, the complement: EYS is on the minus strand). VCF-style: chr6-65494692-T-C. GRCh37 (hg19) VCF-style: chr6-66204585-T-C.
Other names: c.719A>G, p.Tyr240Cys (NM_001142801.2, NM_001292009.2, NM_198283.2); short protein forms Y240C.
Identifiers: ClinVar variation 966077 (VCV000966077.7), dbSNP rs150502410, ClinGen allele CA3878027.